The following is an entry in ClinVar:

ClinVar aggregate classification (germline): Benign (1 of 4 stars; one submission).

Allele frequency attached by ClinVar (database versions not stated): 1000 Genomes Project 30x 0.00562; 1000 Genomes Project 0.00599; TOPMed 0.00916; gnomAD 0.01171; gnomAD exomes 0.01487.
gnomAD v4.1: 5,395 of 398,454 alleles (1.4%); highest among the groups gnomAD compares: Non-Finnish European, 1.5%; 69 homozygotes.

Submission:

CeGaT Center for Human Genetics Tuebingen
Classification: Benign. Last evaluated: 2023-07-01. Review status: criteria provided, single submitter. Criteria: CeGaT Center For Human Genetics Tuebingen Variant Classification Criteria Version 2. Collection method: clinical testing. Allele origin: germline. Affected: yes. Observed: 2 variant alleles.
Comment: ATXN8OS: BS1, BS2

NR_185841.1(ATXN8OS):n.816C>T

Gene: ATXN8OS (ATXN8 opposite strand lncRNA; plus strand). Cytogenetic location: 13q21.33.
Variant type: single nucleotide variant.
Molecular consequence: non-coding transcript variant (on NR_185841.1).
Genome position: GRCh38 VCF-style: chr13-70131040-C-T. GRCh37 (hg19) VCF-style: chr13-70705172-C-T.
Identifiers: ClinVar variation 2643840 (VCV002643840.24), dbSNP rs80107515, ClinGen allele CA252265687.